The following is an entry in ClinVar:

NM_198578.4(LRRK2):c.6070T>C (p.Cys2024Arg)

Gene: LRRK2 (leucine rich repeat kinase 2; plus strand). Cytogenetic location: 12q12.
Variant type: single nucleotide variant.
Coding change: c.6070T>C on transcript NM_198578.4 (MANE Select); coding-DNA position 6070, T replaced by C.
Protein change: p.Cys2024Arg; replaces cysteine 2024 with arginine.
Molecular consequence: missense variant.
Genome position (GRCh38, 1-based): chr12:40,340,415, T>C. VCF-style: chr12-40340415-T-C. GRCh37 (hg19) VCF-style: chr12-40734217-T-C.
Other names: short protein forms C2024R.
Identifiers: ClinVar variation 4976315 (VCV004976315.1).
Genomic context (GRCh38, chr12:40,340,415, plus strand): 5'-ACACTGTATCCCAATGCTGCCATCATTGCAAAGATTGCTGACTACGGCATTGCTCAGTAC[T>C]GCTGTAGAATGGGGATAAAAACATCAGAGGGCACACCAGGTAGGTGATCAGGTCTGTCTC-3'
Protein context (NP_940980.4, residues 2014-2034): KIADYGIAQY[Cys2024Arg]CRMGIKTSEG

ClinVar aggregate classification (germline): Uncertain significance (1 of 4 stars; one submission).

Submission:

GeneDx
Classification: Uncertain significance. Last evaluated: 2026-02-06. Review status: criteria provided, single submitter. Criteria: GeneDx Variant Classification Process June 2021. Collection method: clinical testing. Allele origin: germline.
Comment: Not observed at significant frequency in large population cohorts (gnomAD); In silico analysis supports that this missense variant has a deleterious effect on protein structure/function; Has not been previously published as pathogenic or benign to our knowledge